The following is an entry in ClinVar:

ClinVar aggregate classification (germline): Uncertain significance (1 of 4 stars; one submission).

Conditions:
Familial cancer of breast. Also called: Hereditary breast cancer; BREAST CANCER, FAMILIAL; hereditary breast carcinoma. Identifiers: Orphanet 227535, MedGen C0346153, MONDO:0016419, OMIM 114480. Disease mechanism: loss of function.

Submission:

Labcorp Genetics (formerly Invitae), Labcorp
Classification: Uncertain significance for Familial cancer of breast. Last evaluated: 2020-10-18. Review status: criteria provided, single submitter. Criteria: Invitae Variant Classification Sherloc (09022015). Collection method: clinical testing. Allele origin: germline.
Comment: In summary, the available evidence is currently insufficient to determine the role of this variant in disease. Therefore, it has been classified as a Variant of Uncertain Significance. Algorithms developed to predict the effect of missense changes on protein structure and function are either unavailable or do not agree on the potential impact of this missense change (SIFT: "Deleterious"; PolyPhen-2: "Benign"; Align-GVGD: "Class C0"). This variant has not been reported in the literature in individuals with CHEK2-related conditions. This variant is not present in population databases (ExAC no frequency). This sequence change replaces leucine with valine at codon 319 of the CHEK2 protein (p.Leu319Val). The leucine residue is highly conserved and there is a small physicochemical difference between leucine and valine.

NM_007194.4(CHEK2):c.955C>G (p.Leu319Val)

Gene: CHEK2 (checkpoint kinase 2; minus strand). Cytogenetic location: 22q12.1.
Variant type: single nucleotide variant.
Coding change: c.955C>G on transcript NM_007194.4 (MANE Select); coding-DNA position 955, C replaced by G.
Protein change: p.Leu319Val; replaces leucine 319 with valine.
Molecular consequence: missense variant.
Genome position (GRCh38, 1-based): chr22:28,699,891, G>C on the plus strand (C>G on the coding strand, the complement: CHEK2 is on the minus strand). VCF-style: chr22-28699891-G-C. GRCh37 (hg19) VCF-style: chr22-29095879-G-C.
Other names: c.1084C>G, p.Leu362Val (NM_001005735.3); c.292C>G, p.Leu98Val (NM_001257387.3); c.754C>G, p.Leu252Val (NM_001349956.3); c.955C>G, p.Leu319Val (NM_145862.3); short protein forms L252V, L319V, L362V, L98V.
Identifiers: ClinVar variation 1018140 (VCV001018140.9), dbSNP rs1057524600, ClinGen allele CA411099857.